The following is an entry in ClinVar:

ClinVar aggregate classification (germline): Uncertain significance (1 of 4 stars; one submission).

Allele frequency attached by ClinVar (database versions not stated): TOPMed below 0.00001; ExAC 0.00001; gnomAD exomes 0.00001; gnomAD 0.00002; ESP Exome Variant Server 0.00008.
gnomAD v4.1: 11 of 1,613,536 alleles (0.00068%); highest among the groups gnomAD compares: African/African-American, 0.0053%; no homozygotes.

Submission:

Labcorp Genetics (formerly Invitae), Labcorp
Classification: Uncertain significance. Last evaluated: 2023-09-03. Review status: criteria provided, single submitter. Criteria: Invitae Variant Classification Sherloc (09022015). Collection method: clinical testing. Allele origin: germline.
Comment: In summary, the available evidence is currently insufficient to determine the role of this variant in disease. Therefore, it has been classified as a Variant of Uncertain Significance. Advanced modeling of protein sequence and biophysical properties (such as structural, functional, and spatial information, amino acid conservation, physicochemical variation, residue mobility, and thermodynamic stability) performed at Invitae indicates that this missense variant is not expected to disrupt FLI1 protein function. This variant has not been reported in the literature in individuals affected with FLI1-related conditions. This variant is present in population databases (rs369164251, gnomAD 0.008%). This sequence change replaces arginine, which is basic and polar, with glutamine, which is neutral and polar, at codon 213 of the FLI1 protein (p.Arg213Gln).

NM_002017.5(FLI1):c.638G>A (p.Arg213Gln)

Gene: FLI1 (Fli-1 proto-oncogene, ETS transcription factor; plus strand). Cytogenetic location: 11q24.3.
Variant type: single nucleotide variant.
Coding change: c.638G>A on transcript NM_002017.5 (MANE Select); coding-DNA position 638, G replaced by A.
Protein change: p.Arg213Gln; replaces arginine 213 with glutamine.
Molecular consequence: missense variant.
Genome position (GRCh38, 1-based): chr11:128,782,006, G>A. VCF-style: chr11-128782006-G-A. GRCh37 (hg19) VCF-style: chr11-128651901-G-A.
Other names: c.539G>A, p.Arg180Gln (NM_001167681.3); c.440G>A, p.Arg147Gln (NM_001271010.2); c.59G>A, p.Arg20Gln (NM_001271012.2); short protein forms R213Q, R180Q, R20Q, R147Q.
Identifiers: ClinVar variation 2788813 (VCV002788813.3), dbSNP rs369164251, ClinGen allele CA6357183.